The following is an entry in ClinVar:

NM_017802.4(DNAAF5):c.1471-12G>A

Gene: DNAAF5 (dynein axonemal assembly factor 5; plus strand). Cytogenetic location: 7p22.3.
Variant type: single nucleotide variant.
Coding change: c.1471-12G>A on transcript NM_017802.4 (MANE Select); 12 bases into the intron before coding-DNA position 1471, G replaced by A.
Molecular consequence: intron variant.
Genome position (GRCh38, 1-based): chr7:761,741, G>A. VCF-style: chr7-761741-G-A. GRCh37 (hg19) VCF-style: chr7-801378-G-A.
Identifiers: ClinVar variation 1331284 (VCV001331284.11), dbSNP rs370817681, ClinGen allele CA4110757.

ClinVar aggregate classification (germline): Conflicting classifications of pathogenicity. Review status: criteria provided, conflicting classifications (1 of 4 stars). 3 submissions from 3 submitters: Uncertain significance (2); Likely benign (1). Last evaluated 2026-01-18.

Conditions:
Primary ciliary dyskinesia. Also called: Ciliary dyskinesia. Identifiers: Orphanet 244, MedGen C0008780, MONDO:0016575, HP:0012265.

Allele frequency attached by ClinVar (database versions not stated): gnomAD exomes 0.00019 and 0.00051; gnomAD 0.00025 and 0.00026; TOPMed 0.00026; ExAC 0.00047; ESP Exome Variant Server 0.00062.
gnomAD v4.1: 774 of 1,592,874 alleles (0.049%); highest among the groups gnomAD compares: Non-Finnish European, 0.062%; 1 homozygote.

Submissions (3):

Labcorp Genetics (formerly Invitae), Labcorp
Classification: Likely benign for Primary ciliary dyskinesia. Last evaluated: 2026-01-18. Review status: criteria provided, single submitter. Criteria: Invitae Variant Classification Sherloc (09022015). Collection method: clinical testing. Allele origin: germline.

Blueprint Genetics
Classification: Uncertain significance. Last evaluated: 2024-11-15. Review status: criteria provided, single submitter. Criteria: ACMG Guidelines, 2015. Collection method: clinical testing. Allele origin: germline.

GeneDx
Classification: Uncertain significance. Last evaluated: 2022-01-02. Review status: criteria provided, single submitter. Criteria: GeneDx Variant Classification Process June 2021. Collection method: clinical testing. Allele origin: germline. Affected: yes.
Comment: In silico analysis supports a deleterious effect on splicing; Has not been previously published as pathogenic or benign to our knowledge